The following is an entry in ClinVar:

ClinVar aggregate classification (germline): Uncertain significance (1 of 4 stars; one submission).

Conditions:
Familial thoracic aortic aneurysm and aortic dissection (TAAD). Also called: Thoracic aortic aneurysms and dissections. Identifiers: Orphanet 91387, MedGen C4707243, MONDO:0019625.

Submission:

Labcorp Genetics (formerly Invitae), Labcorp
Classification: Uncertain significance for Familial thoracic aortic aneurysm and aortic dissection. Last evaluated: 2023-06-05. Review status: criteria provided, single submitter. Criteria: Invitae Variant Classification Sherloc (09022015). Collection method: clinical testing. Allele origin: germline.
Comment: This sequence change falls in intron 1 of the TGFBR1 gene. It does not directly change the encoded amino acid sequence of the TGFBR1 protein. It affects a nucleotide within the consensus splice site. The frequency data for this variant in the population databases is considered unreliable, as metrics indicate insufficient coverage at this position in the gnomAD database. This variant has not been reported in the literature in individuals affected with TGFBR1-related conditions. Variants that disrupt the consensus splice site are a relatively common cause of aberrant splicing (PMID: 17576681, 9536098). Algorithms developed to predict the effect of sequence changes on RNA splicing suggest that this variant may disrupt the consensus splice site. In summary, the available evidence is currently insufficient to determine the role of this variant in disease. Therefore, it has been classified as a Variant of Uncertain Significance.

Literature cited by the submitters: PubMed 17576681; PubMed 9536098.

NM_004612.4(TGFBR1):c.97+3G>A

Gene: TGFBR1 (transforming growth factor beta receptor 1; plus strand). Cytogenetic location: 9q22.33.
Variant type: single nucleotide variant.
Coding change: c.97+3G>A on transcript NM_004612.4 (MANE Select); 3 bases into the intron after coding-DNA position 97, G replaced by A.
Molecular consequence: intron variant.
Genome position (GRCh38, 1-based): chr9:99,105,305, G>A. VCF-style: chr9-99105305-G-A. GRCh37 (hg19) VCF-style: chr9-101867587-G-A.
Other names: c.-111+1564G>A (NM_001407418.1, NM_001407423.1); c.-111+1199G>A (NM_001407424.1); c.-111+786G>A (NM_001407425.1); c.-111+579G>A (NM_001407434.1); c.-247+180G>A (NM_001407432.1); c.-111+180G>A (NM_001407419.1, NM_001407433.1); c.-216+3G>A (NM_001407422.1, NM_001407426.1); c.-171+3G>A (NM_001407428.1); and 2 more.
Identifiers: ClinVar variation 2836460 (VCV002836460.3), dbSNP rs2490933887, ClinGen allele CA2739264888.